The following is an entry in ClinVar:

ClinVar aggregate classification (germline): Uncertain significance (1 of 4 stars; one submission).

Conditions:
Holoprosencephaly sequence (HPE). Also called: Holoprosencephaly. Identifiers: Orphanet 2162, MedGen C0079541, MONDO:0016296, HP:0001360.

Allele frequency attached by ClinVar (database versions not stated): gnomAD 0.00001; TOPMed 0.00001; ExAC 0.00003.

Submission:

Labcorp Genetics (formerly Invitae), Labcorp
Classification: Uncertain significance for Holoprosencephaly sequence. Last evaluated: 2022-07-02. Review status: criteria provided, single submitter. Criteria: Invitae Variant Classification Sherloc (09022015). Collection method: clinical testing. Allele origin: germline.
Comment: This sequence change replaces alanine, which is neutral and non-polar, with glutamic acid, which is acidic and polar, at codon 99 of the FOXH1 protein (p.Ala99Glu). The frequency data for this variant in the population databases is considered unreliable, as metrics indicate poor data quality at this position in the gnomAD database. This variant has not been reported in the literature in individuals affected with FOXH1-related conditions. Algorithms developed to predict the effect of missense changes on protein structure and function output the following: SIFT: "Tolerated"; PolyPhen-2: "Possibly Damaging"; Align-GVGD: "Class C0". The glutamic acid amino acid residue is found in multiple mammalian species, which suggests that this missense change does not adversely affect protein function. In summary, the available evidence is currently insufficient to determine the role of this variant in disease. Therefore, it has been classified as a Variant of Uncertain Significance.

NM_003923.3(FOXH1):c.296C>A (p.Ala99Glu)

Gene: FOXH1 (forkhead box H1; minus strand). Cytogenetic location: 8q24.3.
Variant type: single nucleotide variant.
Coding change: c.296C>A on transcript NM_003923.3 (MANE Select); coding-DNA position 296, C replaced by A.
Protein change: p.Ala99Glu; replaces alanine 99 with glutamic acid.
Molecular consequence: missense variant.
Genome position (GRCh38, 1-based): chr8:144,475,040, G>T on the plus strand (C>A on the coding strand, the complement: FOXH1 is on the minus strand). VCF-style: chr8-144475040-G-T. GRCh37 (hg19) VCF-style: chr8-145700423-G-T.
Other names: short protein forms A99E.
Identifiers: ClinVar variation 2136586 (VCV002136586.1), dbSNP rs771924719, ClinGen allele CA4945578.